The following is an entry in ClinVar:

NM_002547.3(OPHN1):c.2093CCA[1] (p.Thr699del)

Gene: OPHN1 (oligophrenin 1; minus strand). Cytogenetic location: Xq12.
Variant type: Microsatellite.
Coding change: c.2093CCA[1] on transcript NM_002547.3 (MANE Select); one copy of the 3-base unit CCA starting at c.2093; the reference has two copies in a row; one copy, 3 bases deleted.
Protein change: p.Thr699del; deletes threonine 699.
Molecular consequence: inframe deletion.
Genome position (GRCh38, 1-based): chrX:68,063,914-68,063,916, TGG deleted on the plus strand (CCA on the coding strand, the reverse complement: OPHN1 is on the minus strand); deleting any 3 consecutive bases within chrX:68,063,914-68,063,919 gives the same sequence; the position shown is the placement nearest the transcript's 3' end. VCF-style (leftmost placement, unchanged base first): chrX-68063913-TTGG-T. GRCh37 (hg19) VCF-style: chrX-67283755-TTGG-T.
Other names: short protein forms T699del.
Identifiers: ClinVar variation 2161502 (VCV002161502.4), dbSNP rs748411808, ClinGen allele CA10436790.

ClinVar aggregate classification (germline): Uncertain significance (1 of 4 stars; one submission).

Submission:

Labcorp Genetics (formerly Invitae), Labcorp
Classification: Uncertain significance. Last evaluated: 2022-09-15. Review status: criteria provided, single submitter. Criteria: Invitae Variant Classification Sherloc (09022015). Collection method: clinical testing. Allele origin: germline.
Comment: In summary, the available evidence is currently insufficient to determine the role of this variant in disease. Therefore, it has been classified as a Variant of Uncertain Significance. Experimental studies and prediction algorithms are not available or were not evaluated, and the functional significance of this variant is currently unknown. This variant has not been reported in the literature in individuals affected with OPHN1-related conditions. The frequency data for this variant in the population databases is considered unreliable, as metrics indicate poor data quality at this position in the gnomAD database. This variant, c.2096_2098del, results in the deletion of 1 amino acid(s) of the OPHN1 protein (p.Thr699del), but otherwise preserves the integrity of the reading frame.